The following is an entry in ClinVar:

ClinVar aggregate classification (germline): Conflicting classifications of pathogenicity. Review status: criteria provided, conflicting classifications (1 of 4 stars). 4 submissions from 4 submitters: Uncertain significance (3); Likely benign (1). Last evaluated 2023-11-02.

Conditions:
Hereditary breast ovarian cancer syndrome. Also called: BRCA1- and BRCA2-Associated Hereditary Breast and Ovarian Cancer; Hereditary breast and/or ovarian cancer syndrome; Hereditary breast and ovarian cancer syndrome; Hereditary breast and ovarian cancer; Hereditary breast and ovarian cancer syndrome (HBOC); Breast and ovarian cancer. Identifiers: Orphanet 145, MedGen C0677776, MeSH D061325, MONDO:0003582. Disease mechanism: loss of function.
Hereditary cancer-predisposing syndrome. Also called: Hereditary neoplastic syndrome; Neoplastic Syndromes, Hereditary; Tumor predisposition; Hereditary Cancer Syndrome. Identifiers: Orphanet 140162, MedGen C0027672, MeSH D009386, MONDO:0015356.

Submissions (4):

Labcorp Genetics (formerly Invitae), Labcorp
Classification: Uncertain significance for Hereditary breast ovarian cancer syndrome. Last evaluated: 2023-11-02. Review status: criteria provided, single submitter. Criteria: Invitae Variant Classification Sherloc (09022015). Collection method: clinical testing. Allele origin: germline.
Comment: This sequence change replaces alanine, which is neutral and non-polar, with proline, which is neutral and non-polar, at codon 1052 of the BRCA2 protein (p.Ala1052Pro). This variant is not present in population databases (gnomAD no frequency). This variant has not been reported in the literature in individuals affected with BRCA2-related conditions. ClinVar contains an entry for this variant (Variation ID: 421652). Advanced modeling of protein sequence and biophysical properties (such as structural, functional, and spatial information, amino acid conservation, physicochemical variation, residue mobility, and thermodynamic stability) performed at Invitae indicates that this missense variant is not expected to disrupt BRCA2 protein function with a negative predictive value of 95%. In summary, the available evidence is currently insufficient to determine the role of this variant in disease. Therefore, it has been classified as a Variant of Uncertain Significance.

University of Washington Department of Laboratory Medicine, University of Washington
Classification: Likely benign for Hereditary cancer-predisposing syndrome. Last evaluated: 2023-03-23. Review status: criteria provided, single submitter. Criteria: Dines et al. (Genet Med. 2020). Collection method: curation. Allele origin: germline.
Comment: Missense variant in a coldspot region where missense variants are very unlikely to be pathogenic (PMID:31911673).

BRCA2 exon 11 coldspot. Reclassification based on statistical prior probability.

Women's Health and Genetics/Laboratory Corporation of America, LabCorp
Classification: Uncertain significance. Last evaluated: 2022-01-27. Review status: criteria provided, single submitter. Criteria: LabCorp Variant Classification Summary - May 2015. Collection method: clinical testing. Allele origin: germline.

GeneDx
Classification: Uncertain significance. Last evaluated: 2016-07-11. Review status: criteria provided, single submitter. Criteria: GeneDx Variant Classification (06012015). Collection method: clinical testing. Allele origin: germline. Affected: yes.
Comment: This variant is denoted BRCA2 c.3154G>C at the cDNA level, p.Ala1052Pro (A1052P) at the protein level, and results in the change of an Alanine to a Proline (GCA>CCA). Using alternate nomenclature, this variant would be defined as BRCA2 3382G>C. This variant has not, to our knowledge, been published in the literature as pathogenic or benign. BRCA2 Ala1052Pro was not observed in approximately 6,500 individuals of European and African American ancestry in the NHLBI Exome Sequencing Project, suggesting it is not a common benign variant in these populations. Since Alanine and Proline differ in some properties, this is considered a semi-conservative amino acid substitution. BRCA2 Ala1052Pro occurs at a position that is not conserved and is located within the RAD51 binding domain (Roy 2012). In silico analyses predict that this variant is unlikely to alter protein structure or function. Based on currently available evidence, it is unclear whether BRCA2 Ala1052Pro is a pathogenic or benign variant. We consider it to be a variant of uncertain significance.

NM_000059.4(BRCA2):c.3154G>C (p.Ala1052Pro)

Gene: BRCA2 (BRCA2 DNA repair associated; plus strand). Cytogenetic location: 13q13.1.
Variant type: single nucleotide variant.
Coding change: c.3154G>C on transcript NM_000059.4 (MANE Select); coding-DNA position 3154, G replaced by C.
Protein change: p.Ala1052Pro; replaces alanine 1052 with proline.
Molecular consequence: missense variant.
Genome position (GRCh38, 1-based): chr13:32,337,509, G>C. VCF-style: chr13-32337509-G-C. GRCh37 (hg19) VCF-style: chr13-32911646-G-C.
Other names: short protein forms A1052P.
Identifiers: ClinVar variation 421652 (VCV000421652.8), dbSNP rs730881520, ClinGen allele CA16619686.